The following is an entry in ClinVar:

NM_003970.4(MYOM2):c.2041A>C (p.Ile681Leu)

Gene: MYOM2 (myomesin 2; plus strand). Cytogenetic location: 8p23.3.
Variant type: single nucleotide variant.
Coding change: c.2041A>C on transcript NM_003970.4 (MANE Select); coding-DNA position 2041, A replaced by C.
Protein change: p.Ile681Leu; replaces isoleucine 681 with leucine.
Molecular consequence: missense variant.
Genome position (GRCh38, 1-based): chr8:2,094,007, A>C. VCF-style: chr8-2094007-A-C. GRCh37 (hg19) VCF-style: chr8-2041834-A-C.
Other names: short protein forms I681L.
Identifiers: ClinVar variation 3056223 (VCV003056223.2), dbSNP rs78708377, ClinGen allele CA170456666.
Genomic context (GRCh38, chr8:2,094,007, plus strand): 5'-ACCCTGATCCCTGTGTTTCTCAGGTTCGTGGTGCACGGCTTAACCACGGGAGAGCAGTAC[A>C]TCTTCCGAGTCAAGGCGGTCAATGCTGTGGGGATGAGTGAAAATTCCCAGGAATCAGACG-3'
Protein context (NP_003961.3, residues 671-691): VHGLTTGEQY[Ile681Leu]FRVKAVNAVG

ClinVar aggregate classification (germline): Benign (0 of 4 stars; one submission).

Conditions:
MYOM2-related disorder. Also called: MYOM2-related condition.

Allele frequency attached by ClinVar (database versions not stated): ExAC 0.00688; TOPMed 0.01595; 1000 Genomes Project 0.01597; 1000 Genomes Project 30x 0.01655; ESP Exome Variant Server 0.01807.
gnomAD v4.1: 10,064 of 1,614,144 alleles (0.62%); highest among the groups gnomAD compares: African/African-American, 4.3%; 99 homozygotes.

Submission:

PreventionGenetics, part of Exact Sciences
Classification: Benign for MYOM2-related condition. Last evaluated: 2019-02-19. Review status: no assertion criteria provided. Collection method: clinical testing. Allele origin: germline.
Comment: This variant is classified as benign based on ACMG/AMP sequence variant interpretation guidelines (Richards et al. 2015 PMID: 25741868, with internal and published modifications).